The following is an entry in ClinVar:

ClinVar aggregate classification (germline): Uncertain significance (1 of 4 stars; one submission).

Submission:

GeneDx
Classification: Uncertain significance. Last evaluated: 2019-03-05. Review status: criteria provided, single submitter. Criteria: GeneDx Variant Classification Process June 2021. Collection method: clinical testing. Allele origin: germline. Affected: yes.
Comment: Not observed in large population cohorts (Lek et al., 2016); In silico analysis, which includes protein predictors and evolutionary conservation, supports a deleterious effect; Has not been previously published as pathogenic or benign to our knowledge

NM_005676.5(RBM10):c.464A>G (p.Gln155Arg)

Gene: RBM10 (RNA binding motif protein 10; plus strand). Cytogenetic location: Xp11.3.
Variant type: single nucleotide variant.
Coding change: c.464A>G on transcript NM_005676.5 (MANE Select); coding-DNA position 464, A replaced by G.
Protein change: p.Gln155Arg; replaces glutamine 155 with arginine.
Molecular consequence: missense variant.
Genome position (GRCh38, 1-based): chrX:47,173,159, A>G. VCF-style: chrX-47173159-A-G. GRCh37 (hg19) VCF-style: chrX-47032558-A-G.
Other names: c.233A>G, p.Gln78Arg (NM_001204466.2, NM_152856.3); c.464A>G, p.Gln155Arg (NM_001204467.2); c.659A>G, p.Gln220Arg (NM_001204468.2); short protein forms Q155R, Q220R, Q78R.
Identifiers: ClinVar variation 1305876 (VCV001305876.2), dbSNP rs2147142629, ClinGen allele CA412793381.